The following is an entry in ClinVar:

NM_000303.3(PMM2):c.205C>T (p.Pro69Ser)

Gene: PMM2 (phosphomannomutase 2; plus strand). Cytogenetic location: 16p13.2.
Variant type: single nucleotide variant.
Coding change: c.205C>T on transcript NM_000303.3 (MANE Select); coding-DNA position 205, C replaced by T.
Protein change: p.Pro69Ser; replaces proline 69 with serine.
Molecular consequence: missense variant.
Genome position (GRCh38, 1-based): chr16:8,804,793, C>T. VCF-style: chr16-8804793-C-T. GRCh37 (hg19) VCF-style: chr16-8898650-C-T.
Other names: short protein forms P69S.
Identifiers: ClinVar variation 371307 (VCV000371307.27), dbSNP rs769648248, ClinGen allele CA16041794.

ClinVar aggregate classification (germline): Pathogenic/Likely pathogenic. Review status: criteria provided, multiple submitters, no conflicts (2 of 4 stars). 8 submissions from 8 submitters: Pathogenic (5); Likely pathogenic (2). 1 of the submissions does not count toward it. Last evaluated 2025-09-10.

Conditions:
Inborn genetic diseases. Identifiers: MedGen C0950123, MeSH D030342.
PMM2-congenital disorder of glycosylation. Also called: PMM2-CDG; Congenital disorder of glycosylation, type Ia; PHOSPHOMANNOMUTASE 2 DEFICIENCY; CARBOHYDRATE-DEFICIENT GLYCOPROTEIN SYNDROME, TYPE Ia; CDG Ia; JAEKEN SYNDROME. Identifiers: Orphanet 79318, MedGen C0349653, MONDO:0008907, OMIM 212065.

Allele frequency attached by ClinVar (database versions not stated): TOPMed below 0.00001.

Submissions (8):

Natera, Inc.
Classification: Likely pathogenic for Congenital disorder of glycosylation type 1a. Last evaluated: 2025-09-10. Review status: criteria provided, single submitter. Criteria: Natera Variant Classification Schema (03/2026). Collection method: clinical testing. Allele origin: germline.
Comment: The c.205C>T variant in PMM2 is a missense variant predicted to cause substitution of proline to serine at amino acid 69. This variant is rare in the general population with a frequency below the threshold expected for the associated phenotype(s). This variant has been observed in one or more individuals affected with the associated recessive disease, as either homozygous or compound heterozygous with a second variant (PMID: 10896303, 11156536, 15844218, 31391289, 32635232). Additionally, this variant has been observed to segregate in affected family members (PMID: 10896303). Computational prediction algorithms indicate this variant is likely to affect gene or protein function. Given the available evidence, this variant is classified as Likely Pathogenic.

Ambry Genetics
Classification: Pathogenic for Inborn genetic diseases. Last evaluated: 2025-06-13. Review status: criteria provided, single submitter. Criteria: Ambry Variant Classification Scheme 2023. Collection method: clinical testing. Allele origin: germline.
Comment: The c.205C>T (p.P69S) alteration is located in exon 3 (coding exon 3) of the PMM2 gene. This alteration results from a C to T substitution at nucleotide position 205, causing the proline (P) at amino acid position 69 to be replaced by a serine (S). This variant was not reported in population-based cohorts in the Genome Aggregation Database (gnomAD). This variant has been identified in the homozygous state and/or in conjunction with other PMM2 variants in individuals with features consistent with PMM2-related congenital disorder of glycosylation; in at least one instance, the variants were identified in trans (Le Bizec, 2005; Thompson, 2012; Chong, 2020; Starosta, 2021). This amino acid position is not well conserved in available vertebrate species. This alteration is predicted to be deleterious by in silico analysis. Based on the available evidence, this alteration is classified as pathogenic.

GeneDx
Classification: Likely pathogenic. Last evaluated: 2025-03-14. Review status: criteria provided, single submitter. Criteria: GeneDx Variant Classification Process June 2021. Collection method: clinical testing. Allele origin: germline. Affected: yes.
Comment: Not observed at significant frequency in large population cohorts (gnomAD); In silico analysis supports that this missense variant does not alter protein structure/function; In silico analysis is inconclusive as to whether the variant alters gene splicing. In the absence of RNA/functional studies, the actual effect of this sequence change is unknown; This variant is associated with the following publications: (PMID: 31391289, 19862844, 10527672, 12357336, 15844218, 33413482, 34782856, 22801829, 11156536, 37224763, 32635232)

Labcorp Genetics (formerly Invitae), Labcorp
Classification: Pathogenic for PMM2-congenital disorder of glycosylation. Last evaluated: 2024-12-12. Review status: criteria provided, single submitter. Criteria: Invitae Variant Classification Sherloc (09022015). Collection method: clinical testing. Allele origin: germline.
Comment: This sequence change replaces proline, which is neutral and non-polar, with serine, which is neutral and polar, at codon 69 of the PMM2 protein (p.Pro69Ser). This variant is not present in population databases (gnomAD no frequency). This missense change has been observed in individual(s) with clinical features of PMM2-related conditions (PMID: 22801829, 31391289). In at least one individual the data is consistent with being in trans (on the opposite chromosome) from a pathogenic variant. It has also been observed to segregate with disease in related individuals. ClinVar contains an entry for this variant (Variation ID: 371307). Invitae Evidence Modeling of protein sequence and biophysical properties (such as structural, functional, and spatial information, amino acid conservation, physicochemical variation, residue mobility, and thermodynamic stability) indicates that this missense variant is expected to disrupt PMM2 protein function with a positive predictive value of 95%. Algorithms developed to predict the effect of sequence changes on RNA splicing suggest that this variant may disrupt the consensus splice site. For these reasons, this variant has been classified as Pathogenic.

HudsonAlpha Institute for Biotechnology
Classification: Pathogenic for PMM2-congenital disorder of glycosylation. Last evaluated: 2024-09-24. Review status: criteria provided, single submitter. Criteria: ACMG Guidelines, 2015. Collection method: research. Allele origin: maternal. Affected: yes. Observed: 1 variant allele. Study: HudsonAlpha-PGEN.
Comment: ACMG codes: PS3_Strong, PS4_Strong, PM3_Strong, PM2

Fulgent Genetics
Classification: Pathogenic for PMM2-congenital disorder of glycosylation. Last evaluated: 2024-04-13. Review status: criteria provided, single submitter. Criteria: ACMG Guidelines, 2015. Collection method: clinical testing. Allele origin: germline.

Baylor Genetics
Classification: Pathogenic for PMM2-congenital disorder of glycosylation. Last evaluated: 2023-12-14. Review status: criteria provided, single submitter. Criteria: ACMG Guidelines, 2015. Collection method: clinical testing. Allele origin: unknown.

Counsyl
Classification: Likely pathogenic for PMM2-congenital disorder of glycosylation. Last evaluated: 2016-08-24. Review status: no assertion criteria provided. Collection method: clinical testing. Allele origin: unknown. Not counted in ClinVar's aggregate classification.

Literature cited by the submitters: PubMed 10896303 (cited by Natera, Inc.); PubMed 11156536 (cited by Natera, Inc. and Counsyl); PubMed 15844218 (cited by 3 submitters); PubMed 31391289 (cited by 3 submitters); PubMed 32635232 (cited by Natera, Inc.); PubMed 22801829 (cited by 3 submitters); PubMed 33413482 (cited by Ambry Genetics); PubMed 11058895 (cited by Counsyl).